The following is an entry in ClinVar:

ClinVar aggregate classification (germline): Uncertain significance (1 of 4 stars; one submission).

Conditions:
Familial adenomatous polyposis 1 (FAP1). Also called: POLYPOSIS, ADENOMATOUS INTESTINAL; FAMILIAL ADENOMATOUS POLYPOSIS 1, ATTENUATED. Identifiers: MedGen C2713442, MONDO:0021056, OMIM 175100. Disease mechanism: loss of function.

Submission:

Labcorp Genetics (formerly Invitae), Labcorp
Classification: Uncertain significance for Familial adenomatous polyposis 1. Last evaluated: 2022-04-22. Review status: criteria provided, single submitter. Criteria: Invitae Variant Classification Sherloc (09022015). Collection method: clinical testing. Allele origin: germline.
Comment: In summary, the available evidence is currently insufficient to determine the role of this variant in disease. Therefore, it has been classified as a Variant of Uncertain Significance. Algorithms developed to predict the effect of missense changes on protein structure and function are either unavailable or do not agree on the potential impact of this missense change (SIFT: "Tolerated"; PolyPhen-2: "Probably Damaging"; Align-GVGD: "Class C0"). ClinVar contains an entry for this variant (Variation ID: 1020982). This variant has not been reported in the literature in individuals affected with APC-related conditions. This variant is not present in population databases (gnomAD no frequency). This sequence change replaces serine, which is neutral and polar, with threonine, which is neutral and polar, at codon 2477 of the APC protein (p.Ser2477Thr).

NM_000038.6(APC):c.7429T>A (p.Ser2477Thr)

Gene: APC (APC regulator of Wnt signaling pathway; plus strand). Cytogenetic location: 5q22.2.
Variant type: single nucleotide variant.
Coding change: c.7429T>A on transcript NM_000038.6 (MANE Select); coding-DNA position 7429, T replaced by A.
Protein change: p.Ser2477Thr; replaces serine 2477 with threonine.
Molecular consequence: missense variant.
Genome position (GRCh38, 1-based): chr5:112,843,023, T>A. VCF-style: chr5-112843023-T-A. GRCh37 (hg19) VCF-style: chr5-112178720-T-A.
Other names: c.7429T>A, p.Ser2477Thr (NM_001127510.3, NM_001354895.2); c.7375T>A, p.Ser2459Thr (NM_001127511.3); c.7483T>A, p.Ser2495Thr (NM_001354896.2); c.7459T>A, p.Ser2487Thr (NM_001354897.2); c.7354T>A, p.Ser2452Thr (NM_001354898.2); c.7345T>A, p.Ser2449Thr (NM_001354899.2); c.7306T>A, p.Ser2436Thr (NM_001354900.2); c.7252T>A, p.Ser2418Thr (NM_001354901.2); and 5 more; short protein forms S2194T, S2317T, S2351T, S2376T, S2386T, S2418T, S2436T, S2449T.
Identifiers: ClinVar variation 1020982 (VCV001020982.10), dbSNP rs1766473832, ClinGen allele CA16037497.